The following is an entry in ClinVar:

ClinVar aggregate classification (germline): Uncertain significance (1 of 4 stars; one submission).

gnomAD v4.1: 1 of 1,600,988 alleles (0.000062%); highest among the groups gnomAD compares: South Asian, 0.0011%; no homozygotes.

Submission:

Labcorp Genetics (formerly Invitae), Labcorp
Classification: Uncertain significance. Last evaluated: 2022-05-12. Review status: criteria provided, single submitter. Criteria: Invitae Variant Classification Sherloc (09022015). Collection method: clinical testing. Allele origin: germline.
Comment: This sequence change replaces arginine, which is basic and polar, with glycine, which is neutral and non-polar, at codon 166 of the KCNJ13 protein (p.Arg166Gly). This variant is present in population databases (no rsID available, gnomAD 0.003%). This variant has not been reported in the literature in individuals affected with KCNJ13-related conditions. Algorithms developed to predict the effect of missense changes on protein structure and function are either unavailable or do not agree on the potential impact of this missense change (SIFT: "Deleterious"; PolyPhen-2: "Benign"; Align-GVGD: "Class C0"). In summary, the available evidence is currently insufficient to determine the role of this variant in disease. Therefore, it has been classified as a Variant of Uncertain Significance.

NM_002242.4(KCNJ13):c.496C>G (p.Arg166Gly)

Genes: GIGYF2 (GRB10 interacting GYF protein 2; plus strand), KCNJ13 (potassium inwardly rectifying channel subfamily J member 13; minus strand). Cytogenetic location: 2q37.1.
Variant type: single nucleotide variant.
Coding change: c.496C>G on transcript NM_002242.4 (MANE Select); coding-DNA position 496, C replaced by G.
Protein change: p.Arg166Gly; replaces arginine 166 with glycine.
Molecular consequence: missense variant. On other transcripts: intron variant (4).
Genome position (GRCh38, 1-based): chr2:232,768,778, G>C on the plus strand (C>G on the coding strand, the complement: KCNJ13 is on the minus strand). VCF-style: chr2-232768778-G-C. GRCh37 (hg19) VCF-style: chr2-233633488-G-C.
Other names: c.260C>G, p.Ser87Trp (NM_001172416.1); c.256C>G, p.Arg86Gly (NM_001172417.1); c.532+7342G>C (NM_001103146.3, NM_015575.4, NM_001103147.2 and 1 more transcripts); short protein forms R166G, R86G, S87W.
Identifiers: ClinVar variation 1993287 (VCV001993287.4), dbSNP rs387906858, ClinGen allele CA351010484.
Genomic context (GRCh38, chr2:232,768,778, plus strand): 5'-TAGGTTTGCCATCCATGTGAGCTACTACTGCTGTGTCAGTAAAGCGAATTGAAAAAGCTC[G>C]ATTTTTTGGCCGGGCAATCTTCGCCACAAAAGCACCTAAATAAGAAATTATTGATTTTTT-3'
Protein context (NP_002233.2, residues 156-176): FVAKIARPKN[Arg166Gly]AFSIRFTDTA